The following is an entry in ClinVar:

NM_001379500.1(COL18A1):c.2766C>T (p.Gly922=)

Genes: COL18A1 (collagen type XVIII alpha 1 chain; plus strand), SLC19A1 (solute carrier family 19 member 1; minus strand). Cytogenetic location: 21q22.3.
Variant type: single nucleotide variant.
Coding change: c.2766C>T on transcript NM_001379500.1 (MANE Select); coding-DNA position 2766, C replaced by T.
Protein change: p.Gly922=; no amino-acid change (glycine 922 retained).
Molecular consequence: synonymous variant.
Genome position (GRCh38, 1-based): chr21:45,504,454, C>T. VCF-style: chr21-45504454-C-T. GRCh37 (hg19) VCF-style: chr21-46924368-C-T.
Other names: c.3306C>T, p.Gly1102= (NM_030582.4); c.4011C>T, p.Gly1337= (NM_130444.3).
Identifiers: ClinVar variation 1428509 (VCV001428509.6), dbSNP rs777932212, ClinGen allele CA10067448.
Genomic context (GRCh38, chr21:45,504,454, plus strand): 5'-TAACAAGTGTTTCCGTCCACAGGGGGAGAAGGGAGACCGAGGTGATGCAGGACAGAAAGG[C>T]GAAAGGGGGGAGCCCGGGGGCGGCGGTTTCTTCGGCTCCAGCCTGCCCGGCCCCCCCGGC-3'
Protein context (NP_001366429.1, residues 912-932): KGDRGDAGQK[Gly922=]ERGEPGGGGF

ClinVar aggregate classification (germline): Uncertain significance (1 of 4 stars; one submission).

Allele frequency attached by ClinVar (database versions not stated): gnomAD exomes 0.00001 and 0.00002; ExAC 0.00002.
gnomAD v4.1: 22 of 1,611,070 alleles (0.0014%); highest among the groups gnomAD compares: Admixed American, 0.0083%; no homozygotes.

Submission:

Labcorp Genetics (formerly Invitae), Labcorp
Classification: Uncertain significance. Last evaluated: 2024-02-24. Review status: criteria provided, single submitter. Criteria: Invitae Variant Classification Sherloc (09022015). Collection method: clinical testing. Allele origin: germline.
Comment: This sequence change affects codon 922 of the COL18A1 mRNA. It is a 'silent' change, meaning that it does not change the encoded amino acid sequence of the COL18A1 protein. This variant is present in population databases (rs777932212, gnomAD 0.009%). This variant has not been reported in the literature in individuals affected with COL18A1-related conditions. ClinVar contains an entry for this variant (Variation ID: 1428509). Algorithms developed to predict the effect of sequence changes on RNA splicing suggest that this variant may disrupt the consensus splice site. In summary, the available evidence is currently insufficient to determine the role of this variant in disease. Therefore, it has been classified as a Variant of Uncertain Significance.